The following is an entry in ClinVar:

NM_001080449.3(DNA2):c.120C>A (p.Ser40Arg)

Gene: DNA2 (DNA replication helicase/nuclease 2; minus strand). Cytogenetic location: 10q21.3.
Variant type: single nucleotide variant.
Coding change: c.120C>A on transcript NM_001080449.3 (MANE Select); coding-DNA position 120, C replaced by A.
Protein change: p.Ser40Arg; replaces serine 40 with arginine.
Molecular consequence: missense variant. On other transcripts: non-coding transcript variant (1).
Genome position (GRCh38, 1-based): chr10:68,470,118, G>T on the plus strand (C>A on the coding strand, the complement: DNA2 is on the minus strand). VCF-style: chr10-68470118-G-T. GRCh37 (hg19) VCF-style: chr10-70229875-G-T.
Other names: short protein forms S40R.
Identifiers: ClinVar variation 4617485 (VCV004617485.2).
Genomic context (GRCh38, chr10:68,470,118, plus strand): 5'-TCCCTCTTTGTTCTGTACAGTATTGACTGCCAACACCAGGTACCGGTTATCCATTCCTGT[G>T]CTCAGAACTGTTCTTGGAAAGGAAGCTACCACTTTCTTCTGAAATCTAAAGCACACACAT-3'
Protein context (NP_001073918.2, residues 30-50): VVASFPRTVL[Ser40Arg]TGMDNRYLVL

ClinVar aggregate classification (germline): Uncertain significance. Review status: criteria provided, multiple submitters, no conflicts (2 of 4 stars). 2 submissions from 2 submitters: Uncertain significance (2). Last evaluated 2025-12-04.

Conditions:
Inborn genetic diseases. Identifiers: MedGen C0950123, MeSH D030342.

gnomAD v4.1: 8 of 1,608,732 alleles (0.0005%); highest among the groups gnomAD compares: African/African-American, 0.0013%; no homozygotes.

Submissions (2):

Ambry Genetics
Classification: Uncertain significance for Inborn genetic diseases. Last evaluated: 2025-12-04. Review status: criteria provided, single submitter. Criteria: Ambry Variant Classification Scheme 2023. Collection method: clinical testing. Allele origin: germline.

Labcorp Genetics (formerly Invitae), Labcorp
Classification: Uncertain significance. Last evaluated: 2025-11-04. Review status: criteria provided, single submitter. Criteria: Invitae Variant Classification Sherloc (09022015). Collection method: clinical testing. Allele origin: germline.
Comment: This sequence change replaces serine, which is neutral and polar, with arginine, which is basic and polar, at codon 40 of the DNA2 protein (p.Ser40Arg). This variant is present in population databases (rs372280270, gnomAD 0.007%). This variant has not been reported in the literature in individuals affected with DNA2-related conditions. Invitae Evidence Modeling of protein sequence and biophysical properties (such as structural, functional, and spatial information, amino acid conservation, physicochemical variation, residue mobility, and thermodynamic stability) indicates that this missense variant is not expected to disrupt DNA2 protein function with a negative predictive value of 80%. In summary, the available evidence is currently insufficient to determine the role of this variant in disease. Therefore, it has been classified as a Variant of Uncertain Significance.